The following is an entry in ClinVar:

NM_001035.3(RYR2):c.5924T>C (p.Met1975Thr)

Gene: RYR2 (ryanodine receptor 2; plus strand). Cytogenetic location: 1q43.
Variant type: single nucleotide variant.
Coding change: c.5924T>C on transcript NM_001035.3 (MANE Select); coding-DNA position 5924, T replaced by C.
Protein change: p.Met1975Thr; replaces methionine 1975 with threonine.
Molecular consequence: missense variant.
Genome position (GRCh38, 1-based): chr1:237,623,772, T>C. VCF-style: chr1-237623772-T-C. GRCh37 (hg19) VCF-style: chr1-237787072-T-C.
Other names: short protein forms M1975T.
Identifiers: ClinVar variation 3893695 (VCV003893695.1).

ClinVar aggregate classification (germline): Uncertain significance (1 of 4 stars; one submission).

Conditions:
Cardiomyopathy (CMYO). Also called: Cardiomyopathies. Identifiers: Orphanet 167848, MedGen C0878544, MONDO:0004994, HP:0001638. Inheritance: Various modes of inheritance.

Submission:

Color Diagnostics, LLC DBA Color Health
Classification: Uncertain significance for Cardiomyopathy. Last evaluated: 2024-03-18. Review status: criteria provided, single submitter. Criteria: ACMG Guidelines, 2015. Collection method: clinical testing. Allele origin: germline.
Comment: This missense variant replaces methionine with threonine at codon 1975 of the RYR2 protein. Computational prediction suggests that this variant may not impact protein structure and function (internally defined REVEL score threshold <= 0.5, PMID: 27666373). To our knowledge, functional studies have not been reported for this variant. This variant has not been reported in individuals affected with RYR2-related disorders in the literature. This variant has not been identified in the general population by the Genome Aggregation Database (gnomAD). The available evidence is insufficient to determine the role of this variant in disease conclusively. Therefore, this variant is classified as a Variant of Uncertain Significance.